The following is an entry in ClinVar:

NM_025081.3(NYNRIN):c.5382G>C (p.Val1794=)

Gene: NYNRIN (NYN domain and retroviral integrase containing; plus strand). Cytogenetic location: 14q12.
Variant type: single nucleotide variant.
Coding change: c.5382G>C on transcript NM_025081.3 (MANE Select); coding-DNA position 5382, G replaced by C.
Protein change: p.Val1794=; no amino-acid change (valine 1794 retained).
Molecular consequence: synonymous variant.
Genome position (GRCh38, 1-based): chr14:24,417,131, G>C. VCF-style: chr14-24417131-G-C. GRCh37 (hg19) VCF-style: chr14-24886337-G-C.
Identifiers: ClinVar variation 3709656 (VCV003709656.2).

ClinVar aggregate classification (germline): Uncertain significance (1 of 4 stars; one submission).

gnomAD v4.1: 14 of 1,613,942 alleles (0.00087%); highest among the groups gnomAD compares: African/African-American, 0.0013%; no homozygotes.

Submission:

Labcorp Genetics (formerly Invitae), Labcorp
Classification: Uncertain significance. Last evaluated: 2024-08-07. Review status: criteria provided, single submitter. Criteria: Invitae Variant Classification Sherloc (09022015). Collection method: clinical testing. Allele origin: germline.
Comment: This sequence change affects codon 1794 of the NYNRIN mRNA. It is a 'silent' change, meaning that it does not change the encoded amino acid sequence of the NYNRIN protein. This variant is not present in population databases (gnomAD no frequency). This variant has not been reported in the literature in individuals affected with NYNRIN-related conditions. Experimental studies and prediction algorithms are not available or were not evaluated, and the effect of this variant on mRNA splicing is currently unknown. In summary, the available evidence is currently insufficient to determine the role of this variant in disease. Therefore, it has been classified as a Variant of Uncertain Significance.